The following is an entry in ClinVar:

NM_001395656.1(ROBO2):c.251T>A (p.Leu84His)

Gene: ROBO2 (roundabout guidance receptor 2; plus strand). Cytogenetic location: 3p12.3.
Variant type: single nucleotide variant.
Coding change: c.251T>A on transcript NM_001395656.1 (MANE Select); coding-DNA position 251, T replaced by A.
Protein change: p.Leu84His; replaces leucine 84 with histidine.
Molecular consequence: missense variant. On other transcripts: 5 prime UTR variant (1).
Genome position (GRCh38, 1-based): chr3:77,098,203, T>A. VCF-style: chr3-77098203-T-A. GRCh37 (hg19) VCF-style: chr3-77147354-T-A.
Other names: c.299T>A, p.Leu100His (NM_001128929.3, NM_001378190.1, NM_001378191.1 and 5 more transcripts); c.251T>A, p.Leu84His (NM_001290039.2, NM_001290040.2, NM_001378193.1 and 3 more transcripts); c.-1668T>A (NM_001290065.2); c.320T>A, p.Leu107His (NM_001378192.1, NM_001378194.1, NM_001378198.1 and 5 more transcripts); short protein forms L107H, L100H, L84H.
Identifiers: ClinVar variation 2369048 (VCV002369048.6), dbSNP rs200834587, ClinGen allele CA2496673.

ClinVar aggregate classification (germline): Conflicting classifications of pathogenicity. Review status: criteria provided, conflicting classifications (1 of 4 stars). 3 submissions from 3 submitters: Uncertain significance (1); Benign (1). 1 of the submissions does not count toward it. Last evaluated 2025-10-14.

Conditions:
ROBO2-related disorder. Also called: ROBO2-related condition.
Inborn genetic diseases. Identifiers: MedGen C0950123, MeSH D030342.

Allele frequency attached by ClinVar (database versions not stated): gnomAD exomes 0.00004; ESP Exome Variant Server 0.00008; TOPMed 0.00008; ExAC 0.00009; gnomAD 0.00010.
gnomAD v4.1: 78 of 1,614,054 alleles (0.0048%); highest among the groups gnomAD compares: Admixed American, 0.028%; no homozygotes.

Submissions (3):

Labcorp Genetics (formerly Invitae), Labcorp
Classification: Benign. Last evaluated: 2025-10-14. Review status: criteria provided, single submitter. Criteria: Invitae Variant Classification Sherloc (09022015). Collection method: clinical testing. Allele origin: germline.

Ambry Genetics
Classification: Uncertain significance for Inborn genetic diseases. Last evaluated: 2024-10-06. Review status: criteria provided, single submitter. Criteria: Ambry Variant Classification Scheme 2023. Collection method: clinical testing. Allele origin: germline.

PreventionGenetics, part of Exact Sciences
Classification: Likely benign for ROBO2-related condition. Last evaluated: 2021-05-04. Review status: no assertion criteria provided. Collection method: clinical testing. Allele origin: germline. Not counted in ClinVar's aggregate classification.
Comment: This variant is classified as likely benign based on ACMG/AMP sequence variant interpretation guidelines (Richards et al. 2015 PMID: 25741868, with internal and published modifications).